The following is an entry in ClinVar:

NM_201384.3(PLEC):c.1850G>A (p.Ser617Asn)

Gene: PLEC (plectin; minus strand). Cytogenetic location: 8q24.3.
Variant type: single nucleotide variant.
Coding change: c.1850G>A on transcript NM_201384.3 (MANE Select); coding-DNA position 1850, G replaced by A.
Protein change: p.Ser617Asn; replaces serine 617 with asparagine.
Molecular consequence: missense variant.
Genome position (GRCh38, 1-based): chr8:143,932,527, C>T on the plus strand (G>A on the coding strand, the complement: PLEC is on the minus strand). VCF-style: chr8-143932527-C-T. GRCh37 (hg19) VCF-style: chr8-145006695-C-T.
Other names: c.1931G>A, p.Ser644Asn (NM_000445.5, NM_001410941.1); c.1808G>A, p.Ser603Asn (NM_201378.4); c.1784G>A, p.Ser595Asn (NM_201379.3); c.2261G>A, p.Ser754Asn (NM_201380.4); c.1754G>A, p.Ser585Asn (NM_201381.3); c.1850G>A, p.Ser617Asn (NM_201382.4); c.1862G>A, p.Ser621Asn (NM_201383.3); short protein forms S644N, S621N, S585N, S595N, S603N, S617N, S754N.
Identifiers: ClinVar variation 2937648 (VCV002937648.3), dbSNP rs1554717295, ClinGen allele CA372578568.

ClinVar aggregate classification (germline): Uncertain significance (1 of 4 stars; one submission).

Conditions:
Epidermolysis bullosa simplex with nail dystrophy (EBS5D). Identifiers: MedGen C4225309, MONDO:0014661, OMIM 616487.
Epidermolysis bullosa simplex 5C, with pyloric atresia (EBS5C). Also called: PLEC-Related Epidermolysis Bullosa with Pyloric Atresia; Epidermolysis bullosa simplex with pyloric atresia; PLEC1-Related Epidermolysis Bullosa with Pyloric Atresia. Identifiers: Orphanet 158684, MedGen C2677349, MONDO:0012807, OMIM 612138.
Autosomal recessive limb-girdle muscular dystrophy type 2Q (LGMDR17). Also called: MUSCULAR DYSTROPHY, LIMB-GIRDLE, AUTOSOMAL RECESSIVE 17. Identifiers: Orphanet 254361, MedGen C3150989, MONDO:0013390, OMIM 613723.
Epidermolysis bullosa simplex, Ogna type (EBS5A). Also called: Pidermolysis bullosa simplex 5A, Ogna type; EPIDERMOLYSIS BULLOSA SIMPLEX 5A, OGNA TYPE. Identifiers: Orphanet 79401, MedGen C0432317, MONDO:0007555, OMIM 131950.
Epidermolysis bullosa simplex 5B, with muscular dystrophy (EBS5B). Also called: EPIDERMOLYSIS BULLOSA SIMPLEX AND LIMB-GIRDLE MUSCULAR DYSTROPHY; Epidermolysis bullosa simplex with muscular dystrophy. Identifiers: Orphanet 257, MedGen C2931072, MONDO:0009181, OMIM 226670.

gnomAD v4.1: 2 of 1,612,642 alleles (0.00012%); highest among the groups gnomAD compares: Admixed American, 0.0033%; no homozygotes.

Submission:

Labcorp Genetics (formerly Invitae), Labcorp
Classification: Uncertain significance for Autosomal recessive limb-girdle muscular dystrophy type 2Q; Epidermolysis bullosa simplex, Ogna type; Epidermolysis bullosa simplex with nail dystrophy; Epidermolysis bullosa simplex 5C, with pyloric atresia; Epidermolysis bullosa simplex 5B, with muscular dystrophy. Last evaluated: 2022-12-26. Review status: criteria provided, single submitter. Criteria: Invitae Variant Classification Sherloc (09022015). Collection method: clinical testing. Allele origin: germline.
Comment: In summary, the available evidence is currently insufficient to determine the role of this variant in disease. Therefore, it has been classified as a Variant of Uncertain Significance. Advanced modeling of protein sequence and biophysical properties (such as structural, functional, and spatial information, amino acid conservation, physicochemical variation, residue mobility, and thermodynamic stability) has been performed at Invitae for this missense variant, however the output from this modeling did not meet the statistical confidence thresholds required to predict the impact of this variant on PLEC protein function. This variant has not been reported in the literature in individuals affected with PLEC-related conditions. This variant is present in population databases (no rsID available, gnomAD 0.006%). This sequence change replaces serine, which is neutral and polar, with asparagine, which is neutral and polar, at codon 644 of the PLEC protein (p.Ser644Asn).